The following is an entry in ClinVar:

NM_003579.4(RAD54L):c.2176G>A (p.Ala726Thr)

Genes: LRRC41 (leucine rich repeat containing 41; minus strand), RAD54L (RAD54 like; plus strand). Cytogenetic location: 1p34.1.
Variant type: single nucleotide variant.
Coding change: c.2176G>A on transcript NM_003579.4 (MANE Select); coding-DNA position 2176, G replaced by A.
Protein change: p.Ala726Thr; replaces alanine 726 with threonine.
Molecular consequence: missense variant. On other transcripts: 3 prime UTR variant (1).
Genome position (GRCh38, 1-based): chr1:46,278,214, G>A. VCF-style: chr1-46278214-G-A. GRCh37 (hg19) VCF-style: chr1-46743886-G-A.
Other names: c.*651C>T (NM_006369.5); c.2176G>A, p.Ala726Thr (NM_001142548.2); c.1636G>A, p.Ala546Thr (NM_001370766.1); short protein forms A726T, A546T.
Identifiers: ClinVar variation 1787187 (VCV001787187.3), dbSNP rs1015113735, ClinGen allele CA21900289.
Genomic context (GRCh38, chr1:46,278,214, plus strand): 5'-TGGAACCACTGCACTGATAAGTGGGGGCTCCGGGATGAGGTACTCCAGGCTGCCTGGGAT[G>A]CTGCCTCCACTGCCATCACCTTCGTCTTCCACCAGCGTTCTCATGAGGAGCAGCGGGGCC-3'
Protein context (NP_003570.2, residues 716-736): RDEVLQAAWD[Ala726Thr]ASTAITFVFH

ClinVar aggregate classification (germline): Uncertain significance (1 of 4 stars; one submission).

Allele frequency attached by ClinVar (database versions not stated): gnomAD exomes below 0.00001.
gnomAD v4.1: 1 of 1,613,934 alleles (0.000062%); highest among the groups gnomAD compares: Non-Finnish European, 0.000085%; no homozygotes.

Submission:

Ambry Genetics
Classification: Uncertain significance. Last evaluated: 2024-04-27. Review status: criteria provided, single submitter. Criteria: Ambry Variant Classification Scheme 2023. Collection method: clinical testing. Allele origin: germline.
Comment: The p.A726T variant (also known as c.2176G>A), located in coding exon 18 of the RAD54L gene, results from a G to A substitution at nucleotide position 2176. The alanine at codon 726 is replaced by threonine, an amino acid with similar properties. This amino acid position is conserved. In addition, the in silico prediction for this alteration is inconclusive. Since supporting evidence is limited at this time, the clinical significance of this alteration remains unclear.